The following is an entry in ClinVar:

NM_001367624.2(ZNF469):c.11318G>A (p.Arg3773Gln)

Gene: ZNF469 (zinc finger protein 469; plus strand). Cytogenetic location: 16q24.2.
Variant type: single nucleotide variant.
Coding change: c.11318G>A on transcript NM_001367624.2 (MANE Select); coding-DNA position 11318, G replaced by A.
Protein change: p.Arg3773Gln; replaces arginine 3773 with glutamine.
Molecular consequence: missense variant.
Genome position (GRCh38, 1-based): chr16:88,438,788, G>A. VCF-style: chr16-88438788-G-A. GRCh37 (hg19) VCF-style: chr16-88505196-G-A.
Other names: NM_001127464.1:c.11234G>A; NM_001127464.2:c.11234G>A; short protein forms R3773Q.
Identifiers: ClinVar variation 872523 (VCV000872523.51), dbSNP rs571622809, ClinGen allele CA8225601.
Genomic context (GRCh38, chr16:88,438,788, plus strand): 5'-CCAGCGGGCAGCTCCAGAGCGAGACAGCCACCACCCCAGCCAAGCCCAGCTTCCCCAGCC[G>A]GAGCCCTGCACCAGAGAGGCTCCCCGCTCGAGCCCAAGCCAAGAGCTGCACCAAGGGGCC-3'
Protein context (NP_001354553.1, residues 3763-3783): TTPAKPSFPS[Arg3773Gln]SPAPERLPAR

ClinVar aggregate classification (germline): Conflicting classifications of pathogenicity. Review status: criteria provided, conflicting classifications (1 of 4 stars). 7 submissions from 7 submitters: Uncertain significance (6); Likely benign (1). Last evaluated 2026-08-03.

Conditions:
Brittle cornea syndrome 1 (BCS1). Also called: Corneal fragility keratoglobus, blue sclerae AND joint hypermobility; DYSGENESIS MESODERMALIS CORNEAE ET SCLERAE; CORNEAL FRAGILITY, KERATOGLOBUS, BLUE SCLERAE, JOINT HYPEREXTENSIBILITY; EDS6B; FRAGILITAS OCULI WITH JOINT HYPEREXTENSIBILITY. Identifiers: Orphanet 90354, MedGen C0268344, MONDO:0024543, OMIM 229200.
Cardiovascular phenotype. Identifiers: MedGen CN230736.
ZNF469-related disorder. Also called: ZNF469-related condition.

Allele frequency attached by ClinVar (database versions not stated): gnomAD exomes 0.00005 and 0.00009; ExAC 0.00012; TOPMed 0.00049; gnomAD 0.00052 and 0.00056; 1000 Genomes Project 30x 0.00109; 1000 Genomes Project 0.00120.
gnomAD v4.1: 158 of 1,550,220 alleles (0.01%); highest among the groups gnomAD compares: African/African-American, 0.15%; no homozygotes.

Submissions (7):

PreventionGenetics, part of Exact Sciences
Classification: Uncertain significance for ZNF469-related condition. Last evaluated: 2026-08-03. Review status: criteria provided, single submitter. Criteria: ACMG Guidelines, 2015. Collection method: clinical testing. Allele origin: germline.
Comment: The ZNF469 c.11234G>A variant is predicted to result in the amino acid substitution p.Arg3745Gln. To our knowledge, this variant has not been reported in the literature. This variant is reported in 0.13% of alleles in individuals of African descent in gnomAD, which may be too frequent to be a primary cause of disease. Although we suspect that this variant may be benign, at this time, the clinical significance of this variant is uncertain due to the absence of conclusive functional and genetic evidence.

Women's Health and Genetics/Laboratory Corporation of America, LabCorp
Classification: Uncertain significance. Last evaluated: 2025-12-26. Review status: criteria provided, single submitter. Criteria: LabCorp Variant Classification Summary - May 2015. Collection method: clinical testing. Allele origin: germline.
Comment: Variant summary: ZNF469 c.11318G>A (p.Arg3773Gln) results in a conservative amino acid change in the encoded protein sequence. Algorithms developed to predict the effect of missense changes on protein structure and function are either unavailable or do not agree on the potential impact of this missense change. The variant allele was found at a frequency of 0.0001 in 1543322 control chromosomes, predominantly at a frequency of 0.0015 within the African or African-American subpopulation in the gnomAD database. This frequency is not significantly higher than estimated for disease-causing variants in ZNF469, allowing no conclusion about variant significance. To our knowledge, no occurrence of c.11318G>A in individuals affected with ZNF469-related conditions and no experimental evidence demonstrating its impact on protein function have been reported. ClinVar contains an entry for this variant (Variation ID: 872523). Based on the evidence outlined above, the variant was classified as uncertain significance.

GeneDx
Classification: Uncertain significance. Last evaluated: 2024-09-04. Review status: criteria provided, single submitter. Criteria: GeneDx Variant Classification Process June 2021. Collection method: clinical testing. Allele origin: germline. Affected: yes.
Comment: Has not been previously published as pathogenic or benign to our knowledge; In silico analysis indicates that this missense variant does not alter protein structure/function

Labcorp Genetics (formerly Invitae), Labcorp
Classification: Uncertain significance. Last evaluated: 2022-07-06. Review status: criteria provided, single submitter. Criteria: Invitae Variant Classification Sherloc (09022015). Collection method: clinical testing. Allele origin: germline.
Comment: This sequence change replaces arginine, which is basic and polar, with glutamine, which is neutral and polar, at codon 3745 of the ZNF469 protein (p.Arg3745Gln). This variant is present in population databases (rs571622809, gnomAD 0.1%). This variant has not been reported in the literature in individuals affected with ZNF469-related conditions. ClinVar contains an entry for this variant (Variation ID: 872523). Algorithms developed to predict the effect of missense changes on protein structure and function output the following: SIFT: "Tolerated"; PolyPhen-2: "Benign"; Align-GVGD: "Class C0". The glutamine amino acid residue is found in multiple mammalian species, which suggests that this missense change does not adversely affect protein function. In summary, the available evidence is currently insufficient to determine the role of this variant in disease. Therefore, it has been classified as a Variant of Uncertain Significance.

Fulgent Genetics
Classification: Uncertain significance for Brittle cornea syndrome 1. Last evaluated: 2022-02-11. Review status: criteria provided, single submitter. Criteria: ACMG Guidelines, 2015. Collection method: clinical testing. Allele origin: unknown.

Ambry Genetics
Classification: Likely benign for Cardiovascular phenotype. Last evaluated: 2021-08-09. Review status: criteria provided, single submitter. Criteria: Ambry Variant Classification Scheme 2023. Collection method: clinical testing. Allele origin: germline.

CeGaT Center for Human Genetics Tuebingen
Classification: Uncertain significance. Last evaluated: 2019-10-01. Review status: criteria provided, single submitter. Criteria: CeGaT Center For Human Genetics Tuebingen Variant Classification Criteria Version 2. Collection method: clinical testing. Allele origin: germline. Affected: yes. Observed: 1 variant allele.